The following is an entry in ClinVar:

ClinVar aggregate classification (germline): Uncertain significance (1 of 4 stars; one submission).

Conditions:
Cardiovascular phenotype. Identifiers: MedGen CN230736.
Hereditary cancer-predisposing syndrome. Also called: Tumor predisposition; Hereditary neoplastic syndrome; Neoplastic Syndromes, Hereditary; Hereditary Cancer Syndrome. Identifiers: Orphanet 140162, MedGen C0027672, MeSH D009386, MONDO:0015356.

Submission:

Ambry Genetics
Classification: Uncertain significance for Cardiovascular phenotype; Hereditary cancer-predisposing syndrome. Last evaluated: 2025-04-25. Review status: criteria provided, single submitter. Criteria: Ambry Variant Classification Scheme 2023. Collection method: clinical testing. Allele origin: germline.
Comment: The c.4192_4199delGTCTCACCinsCT variant (also known as p.V1398_P1400delinsL), located in coding exon 31 of the NF1 gene, results from an in-frame deletion of GTCTCACC and insertion of CT at nucleotide positions 4192 to 4199. This results in the substitution of three amino acids for a leucine residue at codons 1398 to 1400. This amino acid region is highly conserved in available vertebrate species. In addition, this alteration is predicted to be deleterious by in silico analysis (Choi Y et al. PLoS ONE. 2012; 7(10):e46688). Based on the available evidence, the clinical significance of this variant remains unclear.

NM_001042492.3(NF1):c.4255_4262delinsCT (p.Val1419_Pro1421delinsLeu)

Gene: NF1 (neurofibromin 1; plus strand). Cytogenetic location: 17q11.2.
Variant type: Indel.
Coding change: c.4255_4262delinsCT on transcript NM_001042492.3 (MANE Select); coding-DNA positions 4255 to 4262, GTCTCACC replaced by CT.
Protein change: p.Val1419_Pro1421delinsLeu.
Molecular consequence: inframe indel.
Genome position (GRCh38, 1-based): chr17:31,258,425-31,258,432, GTCTCACC replaced by CT. VCF-style: chr17-31258425-GTCTCACC-CT. GRCh37 (hg19) VCF-style: chr17-29585443-GTCTCACC-CT.
Other names: c.4192_4199delGTCTCACCinsCT, p.Val1398_Pro1400delinsLeu (NM_000267.4); c.4192_4199delGTCTCACCinsCT (NM_000267.3).
Identifiers: ClinVar variation 4024459 (VCV004024459.1).
Genomic context (GRCh38, chr17:31,258,425, plus strand): 5'-CAGAACAGCATCGGTGCAGTAGGAAGTGCCATGTTCCTCAGATTTATCAATCCTGCCATT[GTCTCACC>CT]GTATGAAGCAGGGATTTTAGATAAAAAGCCACCACCTAGAATCGAAAGGGGCTTGAAGTT-3'